The following is an entry in ClinVar:

ClinVar aggregate classification (germline): Uncertain significance (1 of 4 stars; one submission).

Submission:

GeneDx
Classification: Uncertain significance. Last evaluated: 2023-11-30. Review status: criteria provided, single submitter. Criteria: GeneDx Variant Classification Process June 2021. Collection method: clinical testing. Allele origin: germline. Affected: yes.
Comment: Not observed at significant frequency in large population cohorts (gnomAD); In-frame deletion of 4 amino acids in a non-repeat region; In silico analysis supports that this variant does not alter protein structure/function; Has not been previously published as pathogenic or benign to our knowledge

NM_020922.5(WNK3):c.4150_4161del (p.Glu1384_Thr1387del)

Gene: WNK3 (WNK lysine deficient protein kinase 3; minus strand). Cytogenetic location: Xp11.22.
Variant type: Deletion.
Coding change: c.4150_4161del on transcript NM_020922.5 (MANE Select); coding-DNA positions 4150 to 4161, 12 bases deleted (GAACCTGCCACA).
Protein change: p.Glu1384_Thr1387del.
Molecular consequence: inframe indel (on NM_020922.4).
Genome position (GRCh38, 1-based): chrX:54,237,405-54,237,416, TGTGGCAGGTTC deleted on the plus strand (GAACCTGCCACA on the coding strand, the reverse complement: WNK3 is on the minus strand); deleting any 12 consecutive bases within chrX:54,237,405-54,237,417 gives the same sequence; the c. name uses the placement nearest the transcript's 3' end. VCF-style (leftmost placement, unchanged base first): chrX-54237404-GTGTGGCAGGTTC-G. GRCh37 (hg19) VCF-style: chrX-54263837-GTGTGGCAGGTTC-G.
Other names: c.4009_4020del, p.Glu1337_Thr1340del (NM_001002838.4, NM_001395166.1); c.4149_4160delAGAACCTGCCAC, p.Glu1384_Thr1387del (NM_020922.4).
Identifiers: ClinVar variation 3365090 (VCV003365090.1).
Genomic context (GRCh38, chrX:54,237,404, plus strand): 5'-CTTTACAGGTTTCCTGAAGAGCTTGTAACTTCTCATAAGAAAACGAAGTTTTTGGATTTT[GTGTGGCAGGTTC>G]TATTTCTACCAACTGAGACTTTGCTGTTTTAATAAAGGCTTCTTCACTAGAATGGTTTGT-3'